The following is an entry in ClinVar:

ClinVar aggregate classification (germline): Pathogenic (1 of 4 stars; one submission).

Conditions:
Propionic acidemia (PROP). Also called: GLYCINEMIA, KETOTIC; HYPERGLYCINEMIA WITH KETOACIDOSIS AND LEUKOPENIA; KETOTIC HYPERGLYCINEMIA. Identifiers: Orphanet 35, MedGen C0268579, MONDO:0011628, OMIM 606054, HP:0003571.

Submission:

Labcorp Genetics (formerly Invitae), Labcorp
Classification: Pathogenic for Propionic acidemia. Last evaluated: 2022-10-12. Review status: criteria provided, single submitter. Criteria: Invitae Variant Classification Sherloc (09022015). Collection method: clinical testing. Allele origin: germline.
Comment: For these reasons, this variant has been classified as Pathogenic. This variant has not been reported in the literature in individuals affected with PCCB-related conditions. This variant is a gross deletion of the genomic region encompassing exon(s) 6-10 of the PCCB gene. This deletion is out-of-frame, and is expected to create a premature termination codon and result in an absent or disrupted protein product. Loss-of-function variants in PCCB are known to be pathogenic (PMID: 15464417).

Literature cited by the submitters: PubMed 15464417.

NC_000003.11:g.(?_136002659)_(136035926_?)del

Gene: PCCB (propionyl-CoA carboxylase subunit beta; plus strand). Cytogenetic location: 3q22.3.
Variant type: Deletion.
Identifiers: ClinVar variation 2423241 (VCV002423241.4).